The following is an entry in ClinVar:

ClinVar aggregate classification (germline): Likely benign (0 of 4 stars; one submission).

Conditions:
HDLBP-related disorder. Also called: HDLBP-related condition.

Allele frequency attached by ClinVar (database versions not stated): ExAC 0.00011; ESP Exome Variant Server 0.00015; 1000 Genomes Project 30x 0.00016; 1000 Genomes Project 0.00020; gnomAD 0.00021; TOPMed 0.00026.
gnomAD v4.1: 93 of 1,614,200 alleles (0.0058%); highest among the groups gnomAD compares: African/African-American, 0.093%; no homozygotes.

Submission:

PreventionGenetics, part of Exact Sciences
Classification: Likely benign for HDLBP-related condition. Last evaluated: 2020-01-08. Review status: no assertion criteria provided. Collection method: clinical testing. Allele origin: germline.
Comment: This variant is classified as likely benign based on ACMG/AMP sequence variant interpretation guidelines (Richards et al. 2015 PMID: 25741868, with internal and published modifications).

NM_005336.6(HDLBP):c.3069C>T (p.Leu1023=)

Genes: ANO7 (anoctamin 7; plus strand), HDLBP (high density lipoprotein binding protein; minus strand). Cytogenetic location: 2q37.3.
Variant type: single nucleotide variant.
Coding change: c.3069C>T on transcript NM_005336.6 (MANE Select); coding-DNA position 3069, C replaced by T.
Protein change: p.Leu1023=; no amino-acid change (leucine 1023 retained).
Molecular consequence: synonymous variant.
Genome position (GRCh38, 1-based): chr2:241,235,196, G>A on the plus strand (C>T on the coding strand, the complement: HDLBP is on the minus strand). VCF-style: chr2-241235196-G-A. GRCh37 (hg19) VCF-style: chr2-242174611-G-A.
Other names: c.2970C>T, p.Leu990= (NM_001243900.3); c.3069C>T, p.Leu1023= (NM_001320965.3, NM_001320966.3, NM_001320967.3 and 1 more transcripts).
Identifiers: ClinVar variation 3050928 (VCV003050928.2), dbSNP rs144219848, ClinGen allele CA2216111.
Genomic context (GRCh38, chr2:241,235,196, plus strand): 5'-GGCCTGTAGCTCCTTCACACGCTCCAGCAGTCCAGCCTTGGCCCGGTCCAAATTTGCAGC[G>A]AGGCCCGTGATGGCGATGATGTCAGACTGCAGCTCAGGTGCCGGGACATGTATGTTCACC-3'
Protein context (NP_005327.1, residues 1013-1033): LQSDIIAITG[Leu1023=]AANLDRAKAG